The following is an entry in ClinVar:

ClinVar aggregate classification (germline): Uncertain significance (1 of 4 stars; one submission).

Conditions:
Seizures, benign familial infantile, 3 (BFIS3). Also called: Familial neonatal seizures; CONVULSIONS, BENIGN FAMILIAL INFANTILE, 3. Identifiers: Orphanet 140927, Orphanet 306, MedGen C1843140, MONDO:0011904, OMIM 607745.
Developmental and epileptic encephalopathy, 11 (DEE11). Also called: Early infantile epileptic encephalopathy 11. Identifiers: Orphanet 1934, MedGen C3150987, MONDO:0013388, OMIM 613721.

Submission:

Labcorp Genetics (formerly Invitae), Labcorp
Classification: Uncertain significance for Seizures, benign familial infantile, 3; Developmental and epileptic encephalopathy, 11. Last evaluated: 2022-04-25. Review status: criteria provided, single submitter. Criteria: Invitae Variant Classification Sherloc (09022015). Collection method: clinical testing. Allele origin: germline.
Comment: In summary, the available evidence is currently insufficient to determine the role of this variant in disease. Therefore, it has been classified as a Variant of Uncertain Significance. Variants that disrupt the consensus splice site are a relatively common cause of aberrant splicing (PMID: 17576681, 9536098). Algorithms developed to predict the effect of sequence changes on RNA splicing suggest that this variant may disrupt the consensus splice site. This variant has not been reported in the literature in individuals affected with SCN2A-related conditions. This variant is not present in population databases (gnomAD no frequency). This sequence change falls in intron 20 of the SCN2A gene. It does not directly change the encoded amino acid sequence of the SCN2A protein. It affects a nucleotide within the consensus splice site.

Literature cited by the submitters: PubMed 17576681; PubMed 9536098.

NM_001040142.2(SCN2A):c.3849+5G>C

Gene: SCN2A (sodium voltage-gated channel alpha subunit 2; plus strand). Cytogenetic location: 2q24.3.
Variant type: single nucleotide variant.
Coding change: c.3849+5G>C on transcript NM_001040142.2 (MANE Select); 5 bases into the intron after coding-DNA position 3849, G replaced by C.
Molecular consequence: intron variant.
Genome position (GRCh38, 1-based): chr2:165,370,304, G>C. VCF-style: chr2-165370304-G-C. GRCh37 (hg19) VCF-style: chr2-166226814-G-C.
Other names: c.3849+5G>C (NM_001040143.2, NM_001371246.1, NM_001371247.1 and 1 more transcripts).
Identifiers: ClinVar variation 2130472 (VCV002130472.4), dbSNP rs2468082588, ClinGen allele CA2580064238.